The following is an entry in ClinVar:

ClinVar aggregate classification (germline): Uncertain significance. Review status: criteria provided, multiple submitters, no conflicts (2 of 4 stars). 2 submissions from 2 submitters: Uncertain significance (2). Last evaluated 2025-04-24.

Conditions:
Congenital myasthenic syndrome 4A. Also called: Myasthenic syndrome, congenital, 4a, slow-channel; CONGENITAL MYASTHENIC SYNDROME TYPE Ia1; MYASTHENIC SYNDROME, CONGENITAL, 4A, SLOW-CHANNEL, AUTOSOMAL RECESSIVE. Identifiers: Orphanet 590, MedGen C4225413, MONDO:0011600, OMIM 605809.

Allele frequency attached by ClinVar (database versions not stated): TOPMed 0.00002; gnomAD 0.00001; gnomAD exomes 0.00002; ExAC 0.00002.
gnomAD v4.1: 36 of 1,613,896 alleles (0.0022%); highest among the groups gnomAD compares: Non-Finnish European, 0.003%; no homozygotes.

Submissions (2):

Revvity Omics, Revvity
Classification: Uncertain significance. Last evaluated: 2025-04-24. Review status: criteria provided, single submitter. Criteria: ACMG Guidelines, 2015. Collection method: clinical testing. Allele origin: germline.

Labcorp Genetics (formerly Invitae), Labcorp
Classification: Uncertain significance for Congenital myasthenic syndrome 4A. Last evaluated: 2022-10-18. Review status: criteria provided, single submitter. Criteria: Invitae Variant Classification Sherloc (09022015). Collection method: clinical testing. Allele origin: germline.
Comment: This sequence change replaces leucine, which is neutral and non-polar, with proline, which is neutral and non-polar, at codon 104 of the CHRNE protein (p.Leu104Pro). This variant is present in population databases (rs772495418, gnomAD 0.004%). This variant has not been reported in the literature in individuals affected with CHRNE-related conditions. ClinVar contains an entry for this variant (Variation ID: 1495679). Advanced modeling of protein sequence and biophysical properties (such as structural, functional, and spatial information, amino acid conservation, physicochemical variation, residue mobility, and thermodynamic stability) performed at Invitae indicates that this missense variant is expected to disrupt CHRNE protein function. In summary, the available evidence is currently insufficient to determine the role of this variant in disease. Therefore, it has been classified as a Variant of Uncertain Significance.

NM_000080.4(CHRNE):c.311T>C (p.Leu104Pro)

Genes: C17orf107 (chromosome 17 open reading frame 107; plus strand), CHRNE (cholinergic receptor nicotinic epsilon subunit; minus strand). Cytogenetic location: 17p13.2.
Variant type: single nucleotide variant.
Coding change: c.311T>C on transcript NM_000080.4 (MANE Select); coding-DNA position 311, T replaced by C.
Protein change: p.Leu104Pro; replaces leucine 104 with proline.
Molecular consequence: missense variant. On other transcripts: 3 prime UTR variant (1).
Genome position (GRCh38, 1-based): chr17:4,902,250, A>G on the plus strand (T>C on the coding strand, the complement: CHRNE is on the minus strand). VCF-style: chr17-4902250-A-G. GRCh37 (hg19) VCF-style: chr17-4805545-A-G.
Other names: c.*1717A>G (NM_001145536.2); short protein forms L104P.
Identifiers: ClinVar variation 1495679 (VCV001495679.8), dbSNP rs772495418, ClinGen allele CA8314521.